The following is an entry in ClinVar:

ClinVar aggregate classification (germline): Pathogenic (1 of 4 stars; one submission).

Conditions:
Propionic acidemia (PROP). Also called: GLYCINEMIA, KETOTIC; HYPERGLYCINEMIA WITH KETOACIDOSIS AND LEUKOPENIA; KETOTIC HYPERGLYCINEMIA. Identifiers: Orphanet 35, MedGen C0268579, MONDO:0011628, OMIM 606054, HP:0003571.

Submission:

Institute of Medical Genetics and Genomics, Sir Ganga Ram Hospital
Classification: Pathogenic for Propionic Acidemia. Last evaluated: 2015-01-01. Review status: criteria provided, single submitter. Criteria: Gupta et al. (Genet Test Mol Biomarkers 2016). Collection method: research. Allele origin: germline. Affected: yes. Observed: 1 variant allele. Study: ORGANIC ACIDURIAS.
Comment: Small deletion mutation

NM_000282.4(PCCA):c.134_135del (p.Leu45fs)

Gene: PCCA (propionyl-CoA carboxylase subunit alpha; plus strand). Cytogenetic location: 13q32.3.
Variant type: Deletion.
Coding change: c.134_135del on transcript NM_000282.4 (MANE Select); coding-DNA positions 134 to 135, 2 bases deleted (TA; older notation c.134_135delTA).
Protein change: p.Leu45fs; shifts the reading frame from leucine 45.
Molecular consequence: frameshift variant. On other transcripts: 5 prime UTR variant (3), non-coding transcript variant (4), intron variant (3).
Genome position (GRCh38, 1-based): chr13:100,102,911-100,102,912, TA deleted. VCF-style (leftmost placement, unchanged base first): chr13-100102910-TTA-T. GRCh37 (hg19) VCF-style: chr13-100755164-TTA-T.
Other names: c.134_135del, p.Leu45fs (NM_001178004.2, NM_001352605.2, NM_001352606.2 and 1 more transcripts); c.-733_-732del (NM_001352610.2, NM_001352611.2, NM_001352612.2); c.106-8930_106-8929del (NM_001127692.3, NM_001352607.2, NM_001352608.2); short protein forms L45fs.
Identifiers: ClinVar variation 218261 (VCV000218261.2), dbSNP rs879253809, ClinGen allele CA10575820.
Genomic context (GRCh38, chr13:100,102,910, plus strand): 5'-TTTGCAATTTATTTTGCTTTCCTTTTTTTGTAGCATGTTCTGTACTATTCAAGACAGTGC[TTA>T]ATGGTGTCCCGTAATCTTGGTTCAGTGGGATATGATCCTAATGAAAAAGTAAGTATTTAA-3'